The following is an entry in ClinVar:

NM_020706.2(SCAF4):c.2610dup (p.Gln871fs)

Gene: SCAF4 (SR-related CTD associated factor 4; minus strand). Cytogenetic location: 21q22.11.
Variant type: Duplication.
Coding change: c.2610dup on transcript NM_020706.2 (MANE Select); coding-DNA position 2610, one base duplicated (A; older notation c.2610dupA).
Protein change: p.Gln871fs; shifts the reading frame from glutamine 871.
Molecular consequence: frameshift variant.
Genome position (GRCh38, 1-based): chr21:31,672,233, T duplicated on the plus strand (A on the coding strand, the reverse complement: SCAF4 is on the minus strand). VCF-style (leftmost placement, unchanged base first): chr21-31672232-G-GT. GRCh37 (hg19) VCF-style: chr21-33044545-G-GT.
Other names: c.2565dup, p.Gln856fs (NM_001145444.1); c.2544dup, p.Gln849fs (NM_001145445.1); short protein forms Q849fs, Q856fs, Q871fs.
Identifiers: ClinVar variation 4075474 (VCV004075474.1).

ClinVar aggregate classification (germline): Uncertain significance (1 of 4 stars; one submission).

Submission:

GeneDx
Classification: Uncertain significance. Last evaluated: 2025-02-14. Review status: criteria provided, single submitter. Criteria: GeneDx Variant Classification Process June 2021. Collection method: clinical testing. Allele origin: germline. Affected: yes.
Comment: Frameshift variant predicted to result in abnormal protein length as the last 277 amino acids are replaced with 46 different amino acids; Has not been previously published as pathogenic or benign to our knowledge